The following is an entry in ClinVar:

ClinVar aggregate classification (germline): Uncertain significance (1 of 4 stars; one submission).

Submission:

Labcorp Genetics (formerly Invitae), Labcorp
Classification: Uncertain significance. Last evaluated: 2025-10-18. Review status: criteria provided, single submitter. Criteria: Invitae Variant Classification Sherloc (09022015). Collection method: clinical testing. Allele origin: germline.
Comment: This sequence change replaces serine, which is neutral and polar, with tryptophan, which is neutral and slightly polar, at codon 326 of the SMS protein (p.Ser326Trp). This variant is not present in population databases (gnomAD no frequency). This variant has not been reported in the literature in individuals affected with SMS-related conditions. Invitae Evidence Modeling of protein sequence and biophysical properties (such as structural, functional, and spatial information, amino acid conservation, physicochemical variation, residue mobility, and thermodynamic stability) indicates that this missense variant is not expected to disrupt SMS protein function with a negative predictive value of 80%. In summary, the available evidence is currently insufficient to determine the role of this variant in disease. Therefore, it has been classified as a Variant of Uncertain Significance.

NM_004595.5(SMS):c.977C>G (p.Ser326Trp)

Gene: SMS (spermine synthase; plus strand). Cytogenetic location: Xp22.11.
Variant type: single nucleotide variant.
Coding change: c.977C>G on transcript NM_004595.5 (MANE Select); coding-DNA position 977, C replaced by G.
Protein change: p.Ser326Trp; replaces serine 326 with tryptophan.
Molecular consequence: missense variant.
Genome position (GRCh38, 1-based): chrX:21,992,628, C>G. VCF-style: chrX-21992628-C-G. GRCh37 (hg19) VCF-style: chrX-22010746-C-G.
Other names: c.818C>G, p.Ser273Trp (NM_001258423.2); short protein forms S273W, S326W.
Identifiers: ClinVar variation 4777855 (VCV004777855.1).